The following is an entry in ClinVar:

NM_003482.4(KMT2D):c.8799A>C (p.Lys2933Asn)

Gene: KMT2D (lysine methyltransferase 2D; minus strand). Cytogenetic location: 12q13.12.
Variant type: single nucleotide variant.
Coding change: c.8799A>C on transcript NM_003482.4 (MANE Select); coding-DNA position 8799, A replaced by C.
Protein change: p.Lys2933Asn; replaces lysine 2933 with asparagine.
Molecular consequence: missense variant.
Genome position (GRCh38, 1-based): chr12:49,038,557, T>G on the plus strand (A>C on the coding strand, the complement: KMT2D is on the minus strand). VCF-style: chr12-49038557-T-G. GRCh37 (hg19) VCF-style: chr12-49432340-T-G.
Other names: short protein forms K2933N.
Identifiers: ClinVar variation 1512596 (VCV001512596.9), dbSNP rs766599883, ClinGen allele CA6546793.

ClinVar aggregate classification (germline): Conflicting classifications of pathogenicity. Review status: criteria provided, conflicting classifications (1 of 4 stars). 2 submissions from 2 submitters: Uncertain significance (1); Benign (1). Last evaluated 2026-01-06.

Conditions:
Kabuki syndrome. Also called: Kabuki make-up syndrome; NIIKAWA-KUROKI SYNDROME. Identifiers: Orphanet 2322, MedGen C0796004, MONDO:0016512.

Allele frequency attached by ClinVar (database versions not stated): ExAC 0.00001; gnomAD 0.00001; gnomAD exomes 0.00002 and 0.00004; TOPMed 0.00002.
gnomAD v4.1: 53 of 1,611,562 alleles (0.0033%); highest among the groups gnomAD compares: Non-Finnish European, 0.0042%; no homozygotes.

Submissions (2):

Labcorp Genetics (formerly Invitae), Labcorp
Classification: Benign for Kabuki syndrome. Last evaluated: 2026-01-06. Review status: criteria provided, single submitter. Criteria: Invitae Variant Classification Sherloc (09022015). Collection method: clinical testing. Allele origin: germline.

ARUP Laboratories, Molecular Genetics and Genomics, ARUP Laboratories
Classification: Uncertain significance. Last evaluated: 2024-08-09. Review status: criteria provided, single submitter. Criteria: ARUP Molecular Germline Variant Investigation Process 2024. Collection method: clinical testing. Allele origin: germline.
Comment: The KMT2D c.8799A>C; p.Lys2933Asn variant (rs766599883), to our knowledge, is not reported in the medical literature but is reported in ClinVar (Variation ID: 1512596). This variant is found in the general population with an overall allele frequency of 0.0021% (6/279934 alleles) in the Genome Aggregation Database (v2.1.1). Computational analyses are uncertain whether this variant is neutral or deleterious (REVEL: 0.283). Due to limited information, the clinical significance of this variant is uncertain at this time.